The following is an entry in ClinVar:

NM_022464.5(SIL1):c.245G>A (p.Gly82Glu)

Gene: SIL1 (SIL1 nucleotide exchange factor; minus strand). Cytogenetic location: 5q31.2.
Variant type: single nucleotide variant.
Coding change: c.245G>A on transcript NM_022464.5 (MANE Select); coding-DNA position 245, G replaced by A.
Protein change: p.Gly82Glu; replaces glycine 82 with glutamic acid.
Molecular consequence: missense variant.
Genome position (GRCh38, 1-based): chr5:139,051,046, C>T on the plus strand (G>A on the coding strand, the complement: SIL1 is on the minus strand). VCF-style: chr5-139051046-C-T. GRCh37 (hg19) VCF-style: chr5-138386735-C-T.
Other names: c.245G>A, p.Gly82Glu (NM_001037633.2); short protein forms G82E.
Identifiers: ClinVar variation 4881039 (VCV004881039.2).

ClinVar aggregate classification (germline): Uncertain significance (1 of 4 stars; one submission).

Submission:

Dasa
Classification: Uncertain significance. Last evaluated: 2025-07-01. Review status: criteria provided, single submitter. Criteria: DASA Assertion Criteria. Collection method: clinical testing. Allele origin: germline.
Comment: NM_022464.5(SIL1):c.245G>A (p.Gly82Glu) is a missense variant that results in the substitution of glycine with glutamic acid. This variant is absent from population databases. The currently available literature and clinical evidence are not sufficient to establish a definitive association between this variant and the reported condition. Therefore, this variant is classified as a variant of uncertain significance.